The following is an entry in ClinVar:

ClinVar aggregate classification (germline): Uncertain significance (1 of 4 stars; one submission).

Conditions:
Hereditary hyperekplexia. Identifiers: Orphanet 3197, MedGen C4084968, MONDO:0021022.

Allele frequency attached by ClinVar (database versions not stated): TOPMed below 0.00001; gnomAD 0.00001; gnomAD exomes 0.00001.

Submission:

Labcorp Genetics (formerly Invitae), Labcorp
Classification: Uncertain significance for Hereditary hyperekplexia. Last evaluated: 2024-10-30. Review status: criteria provided, single submitter. Criteria: Invitae Variant Classification Sherloc (09022015). Collection method: clinical testing. Allele origin: germline.
Comment: This sequence change replaces valine, which is neutral and non-polar, with isoleucine, which is neutral and non-polar, at codon 441 of the GLRA1 protein (p.Val441Ile). This variant is not present in population databases (gnomAD no frequency). This variant has not been reported in the literature in individuals affected with GLRA1-related conditions. ClinVar contains an entry for this variant (Variation ID: 2198105). Invitae Evidence Modeling of protein sequence and biophysical properties (such as structural, functional, and spatial information, amino acid conservation, physicochemical variation, residue mobility, and thermodynamic stability) indicates that this missense variant is not expected to disrupt GLRA1 protein function with a negative predictive value of 95%. In summary, the available evidence is currently insufficient to determine the role of this variant in disease. Therefore, it has been classified as a Variant of Uncertain Significance.

NM_000171.4(GLRA1):c.1321G>A (p.Val441Ile)

Gene: GLRA1 (glycine receptor alpha 1; minus strand). Cytogenetic location: 5q33.1.
Variant type: single nucleotide variant.
Coding change: c.1321G>A on transcript NM_000171.4 (MANE Select); coding-DNA position 1321, G replaced by A.
Protein change: p.Val441Ile; replaces valine 441 with isoleucine.
Molecular consequence: missense variant.
Genome position (GRCh38, 1-based): chr5:151,822,702, C>T on the plus strand (G>A on the coding strand, the complement: GLRA1 is on the minus strand). VCF-style: chr5-151822702-C-T. GRCh37 (hg19) VCF-style: chr5-151202263-C-T.
Other names: c.1345G>A, p.Val449Ile (NM_001146040.2); c.1072G>A, p.Val358Ile (NM_001292000.2); short protein forms V441I, V449I, V358I.
Identifiers: ClinVar variation 2198105 (VCV002198105.4), dbSNP rs980787428, ClinGen allele CA130006119.